The following is an entry in ClinVar:

ClinVar aggregate classification (germline): Benign/Likely benign. Review status: criteria provided, multiple submitters, no conflicts (2 of 4 stars). 9 submissions from 9 submitters: Benign (8); Likely benign (1). Last evaluated 2026-02-04.

Conditions:
Primary ciliary dyskinesia 28. Also called: CILIARY DYSKINESIA, PRIMARY, 28, WITH OR WITHOUT SITUS INVERSUS. Identifiers: Orphanet 244, MedGen C3809706, MONDO:0014216, OMIM 615505.
Primary ciliary dyskinesia. Also called: Ciliary dyskinesia. Identifiers: Orphanet 244, MedGen C0008780, MONDO:0016575, HP:0012265.

Allele frequency attached by ClinVar (database versions not stated): ESP Exome Variant Server 0.27211; gnomAD 0.28744 and 0.29195; TOPMed 0.29093; 1000 Genomes Project 30x 0.29606; 1000 Genomes Project 0.29912; ExAC 0.35418; gnomAD exomes 0.35903 and 0.36277.
gnomAD v4.1: 567,670 of 1,611,486 alleles (35%); highest among the groups gnomAD compares: East Asian, 49%; 104,519 homozygotes.

Submissions (9):

Labcorp Genetics (formerly Invitae), Labcorp
Classification: Benign for Primary ciliary dyskinesia 28. Last evaluated: 2026-02-04. Review status: criteria provided, single submitter. Criteria: Invitae Variant Classification Sherloc (09022015). Collection method: clinical testing. Allele origin: germline.

Blueprint Genetics
Classification: Likely benign. Last evaluated: 2024-11-27. Review status: criteria provided, single submitter. Criteria: ACMG Guidelines, 2015. Collection method: clinical testing. Allele origin: germline.

Mayo Clinic Laboratories, Mayo Clinic
Classification: Benign. Last evaluated: 2022-04-26. Review status: criteria provided, single submitter. Criteria: ACMG Guidelines, 2015. Collection method: clinical testing. Allele origin: germline. Observed: 112 variant alleles.

Genome-Nilou Lab
Classification: Benign for Primary ciliary dyskinesia 28. Last evaluated: 2021-07-15. Review status: criteria provided, single submitter. Criteria: ACMG Guidelines, 2015. Collection method: clinical testing. Allele origin: germline. Affected: no.

GeneDx
Classification: Benign. Last evaluated: 2018-12-17. Review status: criteria provided, single submitter. Criteria: GeneDx Variant Classification Process June 2021. Collection method: clinical testing. Allele origin: germline. Affected: yes.

Ambry Genetics
Classification: Benign for Primary ciliary dyskinesia. Last evaluated: 2016-07-07. Review status: criteria provided, single submitter. Criteria: Ambry Variant Classification Scheme 2023. Collection method: clinical testing. Allele origin: germline.

Laboratory for Molecular Medicine, Mass General Brigham Personalized Medicine
Classification: Benign. Last evaluated: 2016-03-28. Review status: criteria provided, single submitter. Criteria: LMM Criteria. Collection method: clinical testing. Allele origin: germline.
Comment: Variant identified in a genome or exome case(s) and assessed due to predicted null impact of the variant or pathogenic assertions in the literature or databases. Disclaimer: This variant has not undergone full assessment. The following are preliminary notes: Frequency

Breakthrough Genomics
Classification: Benign. Review status: criteria provided, single submitter. Criteria: ACMG Guidelines, 2015. Collection method: not provided. Allele origin: germline. Inheritance: Autosomal recessive inheritance. Affected: yes.

PreventionGenetics, part of Exact Sciences
Classification: Benign. Review status: criteria provided, single submitter. Criteria: ACMG Guidelines, 2015. Collection method: clinical testing. Allele origin: germline.

NM_003114.5(SPAG1):c.2715G>A (p.Ser905=)

Gene: SPAG1 (sperm associated antigen 1; plus strand). Cytogenetic location: 8q22.2.
Variant type: single nucleotide variant.
Coding change: c.2715G>A on transcript NM_003114.5 (MANE Select); coding-DNA position 2715, G replaced by A.
Protein change: p.Ser905=; no amino-acid change (serine 905 retained).
Molecular consequence: synonymous variant.
Genome position (GRCh38, 1-based): chr8:100,240,956, G>A. VCF-style: chr8-100240956-G-A. GRCh37 (hg19) VCF-style: chr8-101253184-G-A.
Other names: p.Ser905=; c.2715G>A, p.Ser905= (NM_001374321.1, NM_172218.3).
Identifiers: ClinVar variation 262803 (VCV000262803.22), dbSNP rs1788190, ClinGen allele CA4827852.